The following is an entry in ClinVar:

ClinVar aggregate classification (germline): Uncertain significance (1 of 4 stars; one submission).

Conditions:
Severe early-onset obesity, Albright hereditary osteodystrophy, pseudohypoparathyroidism, pseudopseudohypoparathyroidism, acrodysostosis and osteoma cutis.

Submission:

Cambridge Genomics Laboratory, East Genomic Laboratory Hub, NHS Genomic Medicine Service
Classification: Uncertain significance for Severe early-onset obesity, Albright hereditary osteodystrophy, pseudohypoparathyroidism, pseudopseudohypoparathyroidism, acrodysostosis and osteoma cutis. Last evaluated: 2023-12-04. Review status: criteria provided, single submitter. Criteria: ACGS Best Practice Guidelines for Variant Classification in Rare Disease 2020. Collection method: clinical testing. Allele origin: germline. Affected: yes.
Comment: The p.His220Arg variant is novel (not in any individuals) in gnomAD All. The p.His220Arg variant is novel (not in any individuals) in 1kG All. The p.His220Arg variant is novel (not in any individuals) in gnomAD Genomes v3 All. (PM2 - Moderate) | There are no benign variants within 3 amino acid positions of the variant p.His220Arg. (PM1_Supporting - Supporting) | The p.His220Arg missense variant is predicted to be damaging by both SIFT and PolyPhen2. The histidine residue at codon 220 of GNAS is conserved in all mammalian species. The nucleotide c.659 in GNAS is predicted conserved by GERP++ and PhyloP across 100 vertebrates. (PP3 - Supporting)

NM_000516.7(GNAS):c.659A>G (p.His220Arg)

Gene: GNAS (GNAS complex locus; plus strand). Cytogenetic location: 20q13.32.
Variant type: single nucleotide variant.
Coding change: c.659A>G on transcript NM_000516.7 (MANE Select); coding-DNA position 659, A replaced by G.
Protein change: p.His220Arg; replaces histidine 220 with arginine.
Molecular consequence: missense variant. On other transcripts: 3 prime UTR variant (2).
Genome position (GRCh38, 1-based): chr20:58,909,423, A>G. VCF-style: chr20-58909423-A-G. GRCh37 (hg19) VCF-style: chr20-57484478-A-G.
Other names: c.662A>G, p.His221Arg (NM_001077488.5); c.614A>G, p.His205Arg (NM_001077489.4); c.*520A>G (NM_001077490.3); c.482A>G, p.His161Arg (NM_001309840.2, NM_001309861.2, NM_001438276.1 and 1 more transcripts); c.563A>G, p.His188Arg (NM_001410912.1); c.2543A>G, p.His848Arg (NM_001410913.1); c.437A>G, p.His146Arg (NM_001438273.1, NM_001438274.1, NM_001438275.1); c.*565A>G (NM_016592.5); and 2 more; short protein forms H146R, H161R, H188R, H205R, H206R, H220R, H221R, H848R.
Identifiers: ClinVar variation 4812861 (VCV004812861.1).